The following is an entry in ClinVar:

NM_001012720.2(RGR):c.750C>T (p.Pro250=)

Gene: RGR (retinal G protein coupled receptor; plus strand). Cytogenetic location: 10q23.1.
Variant type: single nucleotide variant.
Coding change: c.750C>T on transcript NM_001012720.2 (MANE Select); coding-DNA position 750, C replaced by T.
Protein change: p.Pro250=; no amino-acid change (proline 250 retained).
Molecular consequence: synonymous variant.
Genome position (GRCh38, 1-based): chr10:84,258,513, C>T. VCF-style: chr10-84258513-C-T. GRCh37 (hg19) VCF-style: chr10-86018269-C-T.
Other names: c.750C>T (NM_001012720.1); c.636C>T, p.Pro212= (NM_001012722.2); c.762C>T, p.Pro254= (NM_002921.4).
Identifiers: ClinVar variation 1097200 (VCV001097200.11), dbSNP rs748553756, ClinGen allele CA5581581.

ClinVar aggregate classification (germline): Likely benign. Review status: criteria provided, single submitter (1 of 4 stars). 2 submissions from 2 submitters: Likely benign (1). 1 of the submissions does not count toward it. Last evaluated 2025-03-31.

Conditions:
RGR-related disorder. Also called: RGR-related condition.

gnomAD v4.1: 22 of 1,614,090 alleles (0.0014%); highest among the groups gnomAD compares: Middle Eastern, 0.049%; no homozygotes.

Submissions (2):

Labcorp Genetics (formerly Invitae), Labcorp
Classification: Likely benign. Last evaluated: 2025-03-31. Review status: criteria provided, single submitter. Criteria: Invitae Variant Classification Sherloc (09022015). Collection method: clinical testing. Allele origin: germline.

PreventionGenetics, part of Exact Sciences
Classification: Likely benign for RGR-related condition. Last evaluated: 2019-06-06. Review status: no assertion criteria provided. Collection method: clinical testing. Allele origin: germline. Not counted in ClinVar's aggregate classification.
Comment: This variant is classified as likely benign based on ACMG/AMP sequence variant interpretation guidelines (Richards et al. 2015 PMID: 25741868, with internal and published modifications).